The following is an entry in ClinVar:

ClinVar aggregate classification (germline): Uncertain significance (1 of 4 stars; one submission).

Conditions:
Familial focal epilepsy with variable foci (FPEVF). Identifiers: Orphanet 98820, MedGen C1858477, MONDO:0020310.

Allele frequency attached by ClinVar (database versions not stated): TOPMed below 0.00001; ExAC 0.00004.
gnomAD v4.1: 9 of 1,614,004 alleles (0.00056%); highest among the groups gnomAD compares: Admixed American, 0.013%; no homozygotes.

Submission:

Labcorp Genetics (formerly Invitae), Labcorp
Classification: Uncertain significance for Familial focal epilepsy with variable foci. Last evaluated: 2024-05-08. Review status: criteria provided, single submitter. Criteria: Invitae Variant Classification Sherloc (09022015). Collection method: clinical testing. Allele origin: germline.
Comment: This sequence change replaces serine, which is neutral and polar, with tyrosine, which is neutral and polar, at codon 1379 of the DEPDC5 protein (p.Ser1379Tyr). This variant is present in population databases (rs765244692, gnomAD 0.02%). This variant has not been reported in the literature in individuals affected with DEPDC5-related conditions. ClinVar contains an entry for this variant (Variation ID: 466490). Experimental studies and prediction algorithms are not available or were not evaluated, and the functional significance of this variant is currently unknown. In summary, the available evidence is currently insufficient to determine the role of this variant in disease. Therefore, it has been classified as a Variant of Uncertain Significance.

NM_001242896.3(DEPDC5):c.4136C>A (p.Ser1379Tyr)

Gene: DEPDC5 (DEP domain containing 5, GATOR1 subcomplex subunit; plus strand). Cytogenetic location: 22q12.3.
Variant type: single nucleotide variant.
Coding change: c.4136C>A on transcript NM_001242896.3 (MANE Select); coding-DNA position 4136, C replaced by A.
Protein change: p.Ser1379Tyr; replaces serine 1379 with tyrosine.
Molecular consequence: missense variant. On other transcripts: non-coding transcript variant (5).
Genome position (GRCh38, 1-based): chr22:31,893,684, C>A. VCF-style: chr22-31893684-C-A. GRCh37 (hg19) VCF-style: chr22-32289670-C-A.
Other names: c.4109C>A, p.Ser1370Tyr (NM_001136029.4); c.3836C>A, p.Ser1279Tyr (NM_001242897.2); c.4070C>A, p.Ser1357Tyr (NM_001363852.2, NM_001364320.2); c.3902C>A, p.Ser1301Tyr (NM_001363854.2, NM_001364319.2); c.4136C>A, p.Ser1379Tyr (NM_001364318.2); c.4052C>A, p.Ser1351Tyr (NM_001369901.1, NM_001369902.1); c.4043C>A, p.Ser1348Tyr (NM_001369903.1, NM_014662.6); short protein forms S1279Y, S1379Y, S1348Y, S1370Y, S1301Y, S1351Y, S1357Y.
Identifiers: ClinVar variation 466490 (VCV000466490.10), dbSNP rs765244692, ClinGen allele CA10197181.